The following is an entry in ClinVar:

ClinVar aggregate classification (germline): Uncertain significance (1 of 4 stars; one submission).

Conditions:
Paroxysmal nonkinesigenic dyskinesia. Also called: Paroxysmal non-kinesigenic dyskinesia. Identifiers: Orphanet 98810, MedGen C1869117, MONDO:0700088.

Allele frequency attached by ClinVar (database versions not stated): gnomAD exomes below 0.00001; ExAC 0.00001.
gnomAD v4.1: 1 of 1,614,130 alleles (0.000062%); no homozygotes.

Submission:

Labcorp Genetics (formerly Invitae), Labcorp
Classification: Uncertain significance for Paroxysmal nonkinesigenic dyskinesia. Last evaluated: 2022-09-01. Review status: criteria provided, single submitter. Criteria: Invitae Variant Classification Sherloc (09022015). Collection method: clinical testing. Allele origin: germline.
Comment: In summary, the available evidence is currently insufficient to determine the role of this variant in disease. Therefore, it has been classified as a Variant of Uncertain Significance. Algorithms developed to predict the effect of missense changes on protein structure and function are either unavailable or do not agree on the potential impact of this missense change (SIFT: "Deleterious"; PolyPhen-2: "Benign"; Align-GVGD: "Class C0"). ClinVar contains an entry for this variant (Variation ID: 656211). This variant has not been reported in the literature in individuals affected with PNKD-related conditions. This variant is present in population databases (rs752738498, gnomAD 0.003%). This sequence change replaces leucine, which is neutral and non-polar, with proline, which is neutral and non-polar, at codon 77 of the PNKD protein (p.Leu77Pro).

NM_015488.5(PNKD):c.230T>C (p.Leu77Pro)

Gene: PNKD (PNKD metallo-beta-lactamase domain containing; plus strand). Cytogenetic location: 2q35.
Variant type: single nucleotide variant.
Coding change: c.230T>C on transcript NM_015488.5 (MANE Select); coding-DNA position 230, T replaced by C.
Protein change: p.Leu77Pro; replaces leucine 77 with proline.
Molecular consequence: missense variant.
Genome position (GRCh38, 1-based): chr2:218,271,543, T>C. VCF-style: chr2-218271543-T-C. GRCh37 (hg19) VCF-style: chr2-219136266-T-C.
Other names: c.230T>C, p.Leu77Pro (NM_001077399.3); short protein forms L77P.
Identifiers: ClinVar variation 656211 (VCV000656211.8), dbSNP rs752738498, ClinGen allele CA2103268.
Genomic context (GRCh38, chr2:218,271,543, plus strand): 5'-CCCCGGAGCTGGAATACATTCCCAGAAAGAGGGGCAAGAACCCCATGAAAGCTGTGGGAC[T>C]GGCCTGGTGAGTTTTAACCACCCCTTTGCCCACCAACGGGGCGTGGCTTGTAGGGGAGGG-3'
Protein context (NP_056303.3, residues 67-87): RGKNPMKAVG[Leu77Pro]AWYSLYTRTW